The following is an entry in ClinVar:

ClinVar aggregate classification (germline): Uncertain significance (1 of 4 stars; one submission).

Allele frequency attached by ClinVar (database versions not stated): TOPMed below 0.00001; gnomAD 0.00001.

Submission:

Labcorp Genetics (formerly Invitae), Labcorp
Classification: Uncertain significance. Last evaluated: 2022-09-27. Review status: criteria provided, single submitter. Criteria: Invitae Variant Classification Sherloc (09022015). Collection method: clinical testing. Allele origin: germline.
Comment: This variant has not been reported in the literature in individuals affected with MOCS3-related conditions. This variant is not present in population databases (gnomAD no frequency). This sequence change replaces valine, which is neutral and non-polar, with phenylalanine, which is neutral and non-polar, at codon 170 of the MOCS3 protein (p.Val170Phe). Algorithms developed to predict the effect of missense changes on protein structure and function (SIFT, PolyPhen-2, Align-GVGD) all suggest that this variant is likely to be tolerated. In summary, the available evidence is currently insufficient to determine the role of this variant in disease. Therefore, it has been classified as a Variant of Uncertain Significance.

NM_014484.5(MOCS3):c.508G>T (p.Val170Phe)

Gene: MOCS3 (molybdenum cofactor synthesis 3; plus strand). Cytogenetic location: 20q13.13.
Variant type: single nucleotide variant.
Coding change: c.508G>T on transcript NM_014484.5 (MANE Select); coding-DNA position 508, G replaced by T.
Protein change: p.Val170Phe; replaces valine 170 with phenylalanine.
Molecular consequence: missense variant.
Genome position (GRCh38, 1-based): chr20:50,959,350, G>T. VCF-style: chr20-50959350-G-T. GRCh37 (hg19) VCF-style: chr20-49575887-G-T.
Other names: short protein forms V170F.
Identifiers: ClinVar variation 1951165 (VCV001951165.5), dbSNP rs1187457443, ClinGen allele CA408983159.